The following is an entry in ClinVar:

ClinVar aggregate classification (germline): Uncertain significance (1 of 4 stars; one submission).

gnomAD v4.1: 1 of 1,613,632 alleles (0.000062%); highest among the groups gnomAD compares: Admixed American, 0.0017%; no homozygotes.

Submission:

Labcorp Genetics (formerly Invitae), Labcorp
Classification: Uncertain significance. Last evaluated: 2022-07-14. Review status: criteria provided, single submitter. Criteria: Invitae Variant Classification Sherloc (09022015). Collection method: clinical testing. Allele origin: germline.
Comment: In summary, the available evidence is currently insufficient to determine the role of this variant in disease. Therefore, it has been classified as a Variant of Uncertain Significance. Algorithms developed to predict the effect of missense changes on protein structure and function are either unavailable or do not agree on the potential impact of this missense change (SIFT: "Tolerated"; PolyPhen-2: "Possibly Damaging"; Align-GVGD: "Class C0"). ClinVar contains an entry for this variant (Variation ID: 1471154). This variant has not been reported in the literature in individuals affected with C6-related conditions. This variant is not present in population databases (gnomAD no frequency). This sequence change replaces threonine, which is neutral and polar, with serine, which is neutral and polar, at codon 421 of the C6 protein (p.Thr421Ser).

NM_000065.5(C6):c.1262C>G (p.Thr421Ser)

Gene: C6 (complement C6; minus strand). Cytogenetic location: 5p13.1.
Variant type: single nucleotide variant.
Coding change: c.1262C>G on transcript NM_000065.5 (MANE Select); coding-DNA position 1262, C replaced by G.
Protein change: p.Thr421Ser; replaces threonine 421 with serine.
Molecular consequence: missense variant.
Genome position (GRCh38, 1-based): chr5:41,172,254, G>C on the plus strand (C>G on the coding strand, the complement: C6 is on the minus strand). VCF-style: chr5-41172254-G-C. GRCh37 (hg19) VCF-style: chr5-41172356-G-C.
Other names: c.1262C>G, p.Thr421Ser (NM_001115131.4); short protein forms T421S.
Identifiers: ClinVar variation 1471154 (VCV001471154.6), dbSNP rs1221246010, ClinGen allele CA359598881.
Genomic context (GRCh38, chr5:41,172,254, plus strand): 5'-TGGATAAGCTGCTAAGAGAGAGTACTGTTACCTTCATGTTTCTCTGACAGCTTGTTGGTG[G>C]TGCACCTATGTTCCACTTTTGTTTTCTTAGCAAATAAAACGCGTTTCTTTGTTTCAATCC-3'
Protein context (NP_000056.2, residues 411-431): AKKTKVEHRC[Thr421Ser]TNKLSEKHEG